The following is an entry in ClinVar:

ClinVar aggregate classification (germline): Pathogenic/Likely pathogenic. Review status: criteria provided, multiple submitters, no conflicts (2 of 4 stars). 7 submissions from 7 submitters: Pathogenic (1); Likely pathogenic (5). 1 of the submissions does not count toward it. Last evaluated 2026-08-26.

Conditions:
SLC2A9-related disorder. Also called: SLC2A9-related condition.
Hypouricemia, renal, 2. Also called: HYPOURICEMIA, RENAL, 2, AUTOSOMAL DOMINANT; HYPOURICEMIA, RENAL, 2, AUTOSOMAL RECESSIVE. Identifiers: MedGen C2677549, MONDO:0012793, OMIM 612076.

Allele frequency attached by ClinVar (database versions not stated): gnomAD exomes 0.00001 and 0.00003; gnomAD 0.00003.
gnomAD v4.1: 52 of 1,550,236 alleles (0.0034%); highest among the groups gnomAD compares: Middle Eastern, 0.019%; no homozygotes.

Submissions (7):

Institute of Human Genetics, University of Leipzig Medical Center
Classification: Likely pathogenic for Hypouricemia, renal, 2. Last evaluated: 2026-08-26. Review status: criteria provided, single submitter. Criteria: ACMG Guidelines, 2015. Collection method: clinical testing. Allele origin: unknown. Affected: yes.
Comment: Criteria applied: PS3_SUP,PM2,PM3,PP1,PP3,PP4

Genomic Medicine Center of Excellence, King Faisal Specialist Hospital and Research Centre
Classification: Likely pathogenic for Hypouricemia, renal, 2. Last evaluated: 2025-09-10. Review status: criteria provided, single submitter. Criteria: ACMG Guidelines, 2015. Collection method: clinical testing. Allele origin: germline.

Revvity Omics, Revvity
Classification: Likely pathogenic for Hypouricemia, renal, 2. Last evaluated: 2024-11-28. Review status: criteria provided, single submitter. Criteria: ACMG Guidelines, 2015. Collection method: clinical testing. Allele origin: germline.

3billion
Classification: Pathogenic for Hypouricemia, renal, 2. Last evaluated: 2024-10-11. Review status: criteria provided, single submitter. Criteria: ACMG Guidelines, 2015. Collection method: clinical testing. Allele origin: germline. Affected: yes.
Comment: The variant is observed at an extremely low frequency in the gnomAD v4.1.0 dataset (total allele frequency: 0.003%). Predicted Consequence/Location: Missense variant In silico tool predictions suggest damaging effect of the variant on gene or gene product [REVEL: 0.73 (>=0.6, sensitivity 0.68 and specificity 0.92); 3Cnet: 0.29 (>=0.6, sensitivity 0.72 and precision 0.9)]. The same nucleotide change resulting in the same amino acid change has been previously reported as pathogenic/likely pathogenic with strong evidence (ClinVar ID: VCV000217418 /PMID: 19926891). The variant has been reported to co-segregate with the disease in at least 5 similarly affected relatives/individuals in the same family or similarly affected unrelated family (PMID: 19926891). Therefore, this variant is classified as Pathogenic according to the recommendation of ACMG/AMP guideline.

PreventionGenetics, part of Exact Sciences
Classification: Likely pathogenic for SLC2A9-related condition. Last evaluated: 2022-11-22. Review status: criteria provided, single submitter. Criteria: ACMG Guidelines, 2015. Collection method: clinical testing. Allele origin: germline.
Comment: The SLC2A9 c.224T>G variant is predicted to result in the amino acid substitution p.Leu75Arg. This variant has been reported in an individuals with autosomal recessive renal hypouricaemia, and functional studies support its pathogenicity (Dinour et al 2010. PubMed ID: 19926891; Ruiz A et al 2018. PubMed ID: 29967582; Capalbo A et al 2019. PubMed ID: 31589614). This variant is reported in 0.0040% of alleles in individuals of European (Non-Finnish) descent in gnomAD. This variant is interpreted as likely pathogenic.

Fulgent Genetics
Classification: Likely pathogenic for Hypouricemia, renal, 2. Last evaluated: 2022-05-10. Review status: criteria provided, single submitter. Criteria: ACMG Guidelines, 2015. Collection method: clinical testing. Allele origin: unknown.

OMIM
Classification: Pathogenic for HYPOURICEMIA, RENAL, 2, AUTOSOMAL RECESSIVE. Last evaluated: 2010-01-01. Review status: no assertion criteria provided. Collection method: literature only. Allele origin: germline. Not counted in ClinVar's aggregate classification.

Literature cited by the submitters: PubMed 19926891 (cited by 3billion and OMIM); PubMed 19189137 (cited by OMIM).

NM_020041.3(SLC2A9):c.224T>G (p.Leu75Arg)

Genes: SLC2A9 (solute carrier family 2 member 9; minus strand), SLC2A9-AS3 (SLC2A9 antisense RNA 3; plus strand). Cytogenetic location: 4p16.1.
Variant type: single nucleotide variant.
Coding change: c.224T>G on transcript NM_020041.3 (MANE Select); coding-DNA position 224, T replaced by G.
Protein change: p.Leu75Arg; replaces leucine 75 with arginine.
Molecular consequence: missense variant.
Genome position (GRCh38, 1-based): chr4:10,019,000, A>C on the plus strand (T>G on the coding strand, the complement: SLC2A9 is on the minus strand). VCF-style: chr4-10019000-A-C. GRCh37 (hg19) VCF-style: chr4-10020624-A-C.
Other names: c.137T>G, p.Leu46Arg (NM_001001290.2); short protein forms L75R, L46R.
Identifiers: ClinVar variation 217418 (VCV000217418.8), dbSNP rs863225072, ClinGen allele CA279181.